The following is an entry in ClinVar:

NM_001844.5(COL2A1):c.1760del (p.Pro587fs)

Gene: COL2A1 (collagen type II alpha 1 chain; minus strand). Cytogenetic location: 12q13.11.
Variant type: Deletion.
Coding change: c.1760del on transcript NM_001844.5 (MANE Select); coding-DNA position 1760, one base deleted (C; older notation c.1760delC).
Protein change: p.Pro587fs; shifts the reading frame from proline 587.
Molecular consequence: frameshift variant.
Genome position (GRCh38, 1-based): chr12:47,985,068, G deleted on the plus strand (C on the coding strand, the reverse complement: COL2A1 is on the minus strand); the first of 2 consecutive G bases (chr12:47,985,068-47,985,069); deleting either gives the same sequence. VCF-style (leftmost placement, unchanged base first): chr12-47985067-AG-A. GRCh37 (hg19) VCF-style: chr12-48378850-AG-A.
Other names: c.1553del, p.Pro518fs (NM_033150.3); short protein forms P518fs, P587fs.
Identifiers: ClinVar variation 1414770 (VCV001414770.6), dbSNP rs2136564288, ClinGen allele CA2573148612.
Genomic context (GRCh38, chr12:47,985,067, plus strand): 5'-GGGGCCAGGGAAACCCATGACACCAGGCTGCCCACGAGCCCCCTGAGGACCTGGAGGTCC[AG>A]GACGACCATCTTCACCAGGGGCTCCCTGAAAGACAGAACACCATTCTCAGAACATAGACA-3'

ClinVar aggregate classification (germline): Pathogenic (1 of 4 stars; one submission).

Submission:

Labcorp Genetics (formerly Invitae), Labcorp
Classification: Pathogenic. Last evaluated: 2021-06-04. Review status: criteria provided, single submitter. Criteria: Invitae Variant Classification Sherloc (09022015). Collection method: clinical testing. Allele origin: germline.
Comment: For these reasons, this variant has been classified as Pathogenic. This variant has not been reported in the literature in individuals with COL2A1-related conditions. This sequence change creates a premature translational stop signal (p.Pro587Leufs*42) in the COL2A1 gene. It is expected to result in an absent or disrupted protein product. Loss-of-function variants in COL2A1 are known to be pathogenic (PMID: 20179744). This variant is not present in population databases (ExAC no frequency).

Literature cited by the submitters: PubMed 20179744.